The following is an entry in ClinVar:

ClinVar aggregate classification (germline): Uncertain significance (1 of 4 stars; one submission).

Conditions:
Cardiomyopathy (CMYO). Also called: Cardiomyopathies. Identifiers: Orphanet 167848, MedGen C0878544, MONDO:0004994, HP:0001638. Inheritance: Various modes of inheritance.

Submission:

Color Diagnostics, LLC DBA Color Health
Classification: Uncertain significance for Cardiomyopathy. Last evaluated: 2023-10-16. Review status: criteria provided, single submitter. Criteria: ACMG Guidelines, 2015. Collection method: clinical testing. Allele origin: germline.
Comment: This missense variant replaces threonine with lysine at codon 786 of the MYH7 protein. Computational prediction suggests that this variant may have a deleterious impact on protein structure and function (internally defined REVEL score threshold >= 0.7, PMID: 27666373). This variant is found within a highly conserved region of the myosin head domain. Missense variants in this region have been shown to be significantly overrepresented in individuals with hypertrophic cardiomyopathy (PMID: 27532257). To our knowledge, functional studies have not been reported for this variant. This variant has not been reported in individuals affected with MYH7-related disorders in the literature. This variant has not been identified in the general population by the Genome Aggregation Database (gnomAD). The available evidence is insufficient to determine the role of this variant in disease conclusively. Therefore, this variant is classified as a Variant of Uncertain Significance.

Literature cited by the submitters: PubMed 27532257.

NM_000257.4(MYH7):c.2357C>A (p.Thr786Lys)

Genes: MYH7 (myosin heavy chain 7; minus strand), LOC126861898 (BRD4-independent group 4 enhancer GRCh37_chr14:23893609-23894808; plus strand). Cytogenetic location: 14q11.2.
Variant type: single nucleotide variant.
Coding change: c.2357C>A on transcript NM_000257.4 (MANE Select); coding-DNA position 2357, C replaced by A.
Protein change: p.Thr786Lys; replaces threonine 786 with lysine.
Molecular consequence: missense variant.
Genome position (GRCh38, 1-based): chr14:23,425,348, G>T on the plus strand (C>A on the coding strand, the complement: MYH7 is on the minus strand). VCF-style: chr14-23425348-G-T. GRCh37 (hg19) VCF-style: chr14-23894557-G-T.
Other names: c.2357C>A, p.Thr786Lys (NM_001407004.1); short protein forms T786K.
Identifiers: ClinVar variation 2773948 (VCV002773948.2), dbSNP rs781082864, ClinGen allele CA389048583.